The following is an entry in ClinVar:

NM_002529.4(NTRK1):c.2207C>A (p.Ala736Glu)

Gene: NTRK1 (neurotrophic receptor tyrosine kinase 1; plus strand). Cytogenetic location: 1q23.1.
Variant type: single nucleotide variant.
Coding change: c.2207C>A on transcript NM_002529.4 (MANE Select); coding-DNA position 2207, C replaced by A.
Protein change: p.Ala736Glu; replaces alanine 736 with glutamic acid.
Molecular consequence: missense variant.
Genome position (GRCh38, 1-based): chr1:156,881,458, C>A. VCF-style: chr1-156881458-C-A. GRCh37 (hg19) VCF-style: chr1-156851250-C-A.
Other names: c.2099C>A, p.Ala700Glu (NM_001007792.1); c.2189C>A, p.Ala730Glu (NM_001012331.2); short protein forms A700E, A730E, A736E.
Identifiers: ClinVar variation 3376988 (VCV003376988.1).

ClinVar aggregate classification (germline): Uncertain significance (1 of 4 stars; one submission).

Conditions:
Hereditary insensitivity to pain with anhidrosis (CIPA). Also called: NEUROPATHY, CONGENITAL SENSORY, WITH ANHIDROSIS; NTRK1 Congenital Insensitivity to Pain with Anhidrosis; INSENSITIVITY TO PAIN, CONGENITAL, WITH ANHIDROSIS; FAMILIAL DYSAUTONOMIA, TYPE II; hereditary sensory and autonomic neuropathy type 4; HSAN Type IV. Identifiers: Orphanet 642, MedGen C0020074, MONDO:0009746, OMIM 256800.

Submission:

Victorian Clinical Genetics Services, Murdoch Childrens Research Institute
Classification: Uncertain significance for Hereditary insensitivity to pain with anhidrosis. Last evaluated: 2024-10-09. Review status: criteria provided, single submitter. Criteria: ACMG Guidelines, 2015. Collection method: clinical testing. Allele origin: germline. Inheritance: Autosomal recessive inheritance. Affected: yes.
Comment: Based on the classification scheme VCGS_Germline_v1.3.4, this variant is classified as VUS-3B. Following criteria are met: 0102 - Loss of function is a known mechanism of disease in this gene and is associated with insensitivity to pain, congenital, with anhidrosis (MIM#256800). (I) 0106 - This gene is associated with autosomal recessive disease. (I) 0200 - Variant is predicted to result in a missense amino acid change from alanine to glutamic acid. (I) 0252 - This variant is homozygous. (I) 0301 - Variant is absent from gnomAD (both v2 and v3). (SP) 0502 - Missense variant with conflicting in silico predictions and uninformative conservation. In addition, the nucleotide is poorly conserved and missplicing is not predicted. (I) 0600 - Variant is located in the annotated protein tyrosine and serine/threonine kinase domain (DECIPHER). (I) 0705 - No comparable missense variants have previous evidence for pathogenicity. (I) 0807 - This variant has no previous evidence of pathogenicity. (I) 0905 - No published segregation evidence has been identified for this variant. (I) 1007 - No published functional evidence has been identified for this variant. (I) Legend: (SP) - Supporting pathogenic, (I) - Information, (SB) - Supporting benign